The following is an entry in ClinVar:

NM_001365951.3(KIF1B):c.1370T>C (p.Val457Ala)

Gene: KIF1B (kinesin family member 1B; plus strand). Cytogenetic location: 1p36.22.
Variant type: single nucleotide variant.
Coding change: c.1370T>C on transcript NM_001365951.3 (MANE Select); coding-DNA position 1370, T replaced by C.
Protein change: p.Val457Ala; replaces valine 457 with alanine.
Molecular consequence: missense variant.
Genome position (GRCh38, 1-based): chr1:10,282,469, T>C. VCF-style: chr1-10282469-T-C. GRCh37 (hg19) VCF-style: chr1-10342527-T-C.
Other names: c.1370T>C, p.Val457Ala (NM_001365952.1); c.1232T>C, p.Val411Ala (NM_001365953.1, NM_015074.3, NM_183416.4); short protein forms V411A, V457A.
Identifiers: ClinVar variation 3533990 (VCV003533990.1).

ClinVar aggregate classification (germline): Uncertain significance (1 of 4 stars; one submission).

Submission:

Ambry Genetics
Classification: Uncertain significance. Last evaluated: 2024-08-24. Review status: criteria provided, single submitter. Criteria: Ambry Variant Classification Scheme 2023. Collection method: clinical testing. Allele origin: germline.
Comment: The p.V411A variant (also known as c.1232T>C), located in coding exon 12 of the KIF1B gene, results from a T to C substitution at nucleotide position 1232. The valine at codon 411 is replaced by alanine, an amino acid with similar properties. This amino acid position is conserved. In addition, this alteration is predicted to be tolerated by in silico analysis. Based on the available evidence, the clinical significance of this variant remains unclear.